The following is an entry in ClinVar:

NM_033400.3(ZFHX2):c.5792C>T (p.Pro1931Leu)

Genes: THTPA (thiamine triphosphatase; plus strand), ZFHX2 (zinc finger homeobox 2; minus strand). Cytogenetic location: 14q11.2.
Variant type: single nucleotide variant.
Coding change: c.5792C>T on transcript NM_033400.3 (MANE Select); coding-DNA position 5792, C replaced by T.
Protein change: p.Pro1931Leu; replaces proline 1931 with leucine.
Molecular consequence: missense variant.
Genome position (GRCh38, 1-based): chr14:23,524,150, G>A on the plus strand (C>T on the coding strand, the complement: ZFHX2 is on the minus strand). VCF-style: chr14-23524150-G-A. GRCh37 (hg19) VCF-style: chr14-23993359-G-A.
Other names: short protein forms P1931L.
Identifiers: ClinVar variation 4687341 (VCV004687341.1).

ClinVar aggregate classification (germline): Likely benign (1 of 4 stars; one submission).

gnomAD v4.1: 137 of 1,535,970 alleles (0.0089%); highest among the groups gnomAD compares: African/African-American, 0.15%; no homozygotes.

Submission:

Women's Health and Genetics/Laboratory Corporation of America, LabCorp
Classification: Likely benign. Last evaluated: 2025-10-30. Review status: criteria provided, single submitter. Criteria: LabCorp Variant Classification Summary - May 2015. Collection method: clinical testing. Allele origin: germline.
Comment: Variant summary: ZFHX2 c.5792C>T (p.Pro1931Leu) results in a non-conservative amino acid change in the encoded protein sequence. Algorithms developed to predict the effect of missense changes on protein structure and function are either unavailable or do not agree on the potential impact of this missense change. The variant allele was found at a frequency of 0.00012 in 136666 control chromosomes, predominantly at a frequency of 0.0022 within the African or African-American subpopulation in the gnomAD database. The observed variant frequency within African or African-American control individuals in the gnomAD database exceeds the estimated maximal expected allele frequency for disease-causing variants in ZFHX2. To our knowledge, no occurrence of c.5792C>T in individuals affected with ZFHX2-related conditions and no experimental evidence demonstrating its impact on protein function have been reported. No submitters have cited clinical-significance assessments for this variant to ClinVar. Based on the evidence outlined above, the variant was classified as likely benign.